The following is an entry in ClinVar:

ClinVar aggregate classification (germline): Conflicting classifications of pathogenicity. Review status: criteria provided, conflicting classifications (1 of 4 stars). 6 submissions from 5 submitters: Pathogenic (2); Likely pathogenic (1); Uncertain significance (2). 1 of the submissions does not count toward it. Last evaluated 2025-07-28.

Conditions:
Cystic fibrosis (CF). Also called: MUCOVISCIDOSIS. Identifiers: Orphanet 586, MedGen C0010674, MONDO:0009061, OMIM 219700. Disease mechanism: loss of function.
Congenital bilateral aplasia of vas deferens from CFTR mutation (CBAVD). Identifiers: Orphanet 48, MedGen C0403814, MONDO:0010178, OMIM 277180. Disease mechanism: loss of function.
Bronchiectasis with or without elevated sweat chloride 1 (BESC1). Also called: Cystic Fibrosis-Like Syndrome. Identifiers: Orphanet 60033, MedGen C2749757, MONDO:0008887, OMIM 211400.

Allele frequency attached by ClinVar (database versions not stated): TOPMed below 0.00001; gnomAD 0.00001.

Submissions (6):

Women's Health and Genetics/Laboratory Corporation of America, LabCorp
Classification: Uncertain significance. Last evaluated: 2025-07-28. Review status: criteria provided, single submitter. Criteria: LabCorp Variant Classification Summary - May 2015. Collection method: clinical testing. Allele origin: germline.
Comment: Variant summary: CFTR c.4243-2A>G is located in a canonical splice-site and is predicted to affect mRNA splicing resulting in a significantly altered protein due to either exon skipping, shortening, or inclusion of intronic material. Variants that disrupt the consensus splice site are a relatively common cause of aberrant splicing and loss of CFTR function. Several computational tools predict a significant impact on normal splicing: Three predict the variant abolishes a canonical 3' acceptor site. Three predict the variant creates a cryptic 3' acceptor site. However, these predictions have yet to be confirmed by functional studies. The variant was absent in 250108 control chromosomes (gnomAD). c.4243-2A>G has been reported in the literature in a cystic fibrosis patient registry, however no geno- and phenotype information was provided (Zahav_2023). This report does not provide unequivocal conclusions about the association of the variant with Cystic Fibrosis. To our knowledge, no experimental evidence demonstrating an impact on protein function has been reported. Other variants affecting the same splice-site, including c.4243-2A>C, c.4243-1G>C, and c.4243-1G>T, have been reported in association with Cystic fibrosis (HGMD). The following publication has been ascertained in the context of this evaluation (PMID: 35934641). ClinVar contains an entry for this variant (Variation ID: 552958). Based on the evidence outlined above, the variant was classified as VUS-possibly pathogenic.

GeneDx
Classification: Likely pathogenic. Last evaluated: 2024-01-30. Review status: criteria provided, single submitter. Criteria: GeneDx Variant Classification Process June 2021. Collection method: clinical testing. Allele origin: germline. Affected: yes.
Comment: Observed in an individual in a cystic fibrosis patient registry, however, clinical and genotype information was not provided (PMID: 35934641); Canonical splice site variant predicted to result in an in-frame loss of the adjacent exon in a gene for which loss of function is a known mechanism of disease; Not observed at significant frequency in large population cohorts (gnomAD); This variant is associated with the following publications: (PMID: 35934641)

Baylor Genetics
Classification: Pathogenic for Bronchiectasis with or without elevated sweat chloride 1. Last evaluated: 2023-09-09. Review status: criteria provided, single submitter. Criteria: ACMG Guidelines, 2015. Collection method: clinical testing. Allele origin: unknown.

Labcorp Genetics (formerly Invitae), Labcorp
Classification: Uncertain significance for Cystic fibrosis. Last evaluated: 2023-08-16. Review status: criteria provided, single submitter. Criteria: Invitae Variant Classification Sherloc (09022015). Collection method: clinical testing. Allele origin: germline.
Comment: This variant has not been reported in the literature in individuals affected with CFTR-related conditions. This sequence change affects an acceptor splice site in intron 26 of the CFTR gene. While this variant is not anticipated to result in nonsense mediated decay, it likely alters RNA splicing and results in a disrupted protein product. This variant is not present in population databases (gnomAD no frequency). ClinVar contains an entry for this variant (Variation ID: 552958). Variants that disrupt the consensus splice site are a relatively common cause of aberrant splicing (PMID: 17576681, 9536098). Algorithms developed to predict the effect of sequence changes on RNA splicing suggest that this variant may disrupt the consensus splice site. In summary, the available evidence is currently insufficient to determine the role of this variant in disease. Therefore, it has been classified as a Variant of Uncertain Significance.

Baylor Genetics
Classification: Pathogenic for Congenital bilateral aplasia of vas deferens from CFTR mutation; Cystic fibrosis. Review status: criteria provided, single submitter. Criteria: ACMG Guidelines, 2015. Collection method: clinical testing. Allele origin: germline.

Counsyl
Classification: Likely pathogenic for Cystic fibrosis. Last evaluated: 2017-07-31. Review status: no assertion criteria provided. Collection method: clinical testing. Allele origin: unknown. Not counted in ClinVar's aggregate classification.

Literature cited by the submitters: PubMed 35934641 (cited by Women's Health and Genetics/Laboratory Corporation of America, LabCorp); PubMed 17576681 (cited by Labcorp Genetics (formerly Invitae), Labcorp); PubMed 9536098 (cited by Labcorp Genetics (formerly Invitae), Labcorp).

NM_000492.4(CFTR):c.4243-2A>G

Genes: CFTR (CF transmembrane conductance regulator; plus strand), LOC111674477 (CFTR intron 23 enhancer; plus strand). Cytogenetic location: 7q31.2.
Variant type: single nucleotide variant.
Coding change: c.4243-2A>G on transcript NM_000492.4 (MANE Select); the canonical splice acceptor site of the intron before coding-DNA position 4243, A replaced by G.
Molecular consequence: splice acceptor variant.
Genome position (GRCh38, 1-based): chr7:117,666,906, A>G. VCF-style: chr7-117666906-A-G. GRCh37 (hg19) VCF-style: chr7-117306960-A-G.
Identifiers: ClinVar variation 552958 (VCV000552958.11), dbSNP rs397508705, ClinGen allele CA368984343.